The following is an entry in ClinVar:

NM_005477.3(HCN4):c.1949C>G (p.Thr650Ser)

Gene: HCN4 (hyperpolarization activated cyclic nucleotide gated potassium channel 4; minus strand). Cytogenetic location: 15q24.1.
Variant type: single nucleotide variant.
Coding change: c.1949C>G on transcript NM_005477.3 (MANE Select); coding-DNA position 1949, C replaced by G.
Protein change: p.Thr650Ser; replaces threonine 650 with serine.
Molecular consequence: missense variant.
Genome position (GRCh38, 1-based): chr15:73,324,984, G>C on the plus strand (C>G on the coding strand, the complement: HCN4 is on the minus strand). VCF-style: chr15-73324984-G-C. GRCh37 (hg19) VCF-style: chr15-73617325-G-C.
Other names: short protein forms T650S.
Identifiers: ClinVar variation 1051114 (VCV001051114.11), dbSNP rs2151215400, ClinGen allele CA393090520.

ClinVar aggregate classification (germline): Uncertain significance. Review status: criteria provided, multiple submitters, no conflicts (2 of 4 stars). 2 submissions from 2 submitters: Uncertain significance (2). Last evaluated 2020-10-28.

Conditions:
Cardiovascular phenotype. Identifiers: MedGen CN230736.
Brugada syndrome 8 (BRGDA8). Identifiers: Orphanet 130, MedGen C2751083, MONDO:0013148, OMIM 613123.

Submissions (2):

Labcorp Genetics (formerly Invitae), Labcorp
Classification: Uncertain significance for Brugada syndrome 8. Last evaluated: 2020-10-28. Review status: criteria provided, single submitter. Criteria: Invitae Variant Classification Sherloc (09022015). Collection method: clinical testing. Allele origin: germline.
Comment: This sequence change replaces threonine with serine at codon 650 of the HCN4 protein (p.Thr650Ser). The threonine residue is highly conserved and there is a small physicochemical difference between threonine and serine. This variant is not present in population databases (ExAC no frequency). This variant has not been reported in the literature in individuals with HCN4-related conditions. Experimental studies and prediction algorithms are not available or were not evaluated, and the functional significance of this variant is currently unknown. In summary, the available evidence is currently insufficient to determine the role of this variant in disease. Therefore, it has been classified as a Variant of Uncertain Significance.

Ambry Genetics
Classification: Uncertain significance for Cardiovascular phenotype. Last evaluated: 2020-06-08. Review status: criteria provided, single submitter. Criteria: Ambry Variant Classification Scheme 2023. Collection method: clinical testing. Allele origin: germline.
Comment: The p.T650S variant (also known as c.1949C>G), located in coding exon 6 of the HCN4 gene, results from a C to G substitution at nucleotide position 1949. The threonine at codon 650 is replaced by serine, an amino acid with similar properties. This amino acid position is well conserved in available vertebrate species. In addition, the in silico prediction for this alteration is inconclusive. Since supporting evidence is limited at this time, the clinical significance of this alteration remains unclear.